The following is an entry in ClinVar:

NM_001365951.3(KIF1B):c.2338A>G (p.Ser780Gly)

Gene: KIF1B (kinesin family member 1B; plus strand). Cytogenetic location: 1p36.22.
Variant type: single nucleotide variant.
Coding change: c.2338A>G on transcript NM_001365951.3 (MANE Select); coding-DNA position 2338, A replaced by G.
Protein change: p.Ser780Gly; replaces serine 780 with glycine.
Molecular consequence: missense variant.
Genome position (GRCh38, 1-based): chr1:10,321,837, A>G. VCF-style: chr1-10321837-A-G. GRCh37 (hg19) VCF-style: chr1-10381895-A-G.
Other names: c.2338A>G, p.Ser780Gly (NM_001365952.1); c.2200A>G, p.Ser734Gly (NM_015074.3); short protein forms S734G, S780G.
Identifiers: ClinVar variation 4043078 (VCV004043078.1).

ClinVar aggregate classification (germline): Uncertain significance (1 of 4 stars; one submission).

Submission:

Ambry Genetics
Classification: Uncertain significance. Last evaluated: 2025-03-22. Review status: criteria provided, single submitter. Criteria: Ambry Variant Classification Scheme 2023. Collection method: clinical testing. Allele origin: germline.
Comment: The p.S734G variant (also known as c.2200A>G), located in coding exon 21 of the KIF1B gene, results from an A to G substitution at nucleotide position 2200. The serine at codon 734 is replaced by glycine, an amino acid with similar properties. This amino acid position is conserved. In addition, this alteration is predicted to be deleterious by in silico analysis. Based on the available evidence, the clinical significance of this variant remains unclear.